The following is an entry in ClinVar:

ClinVar aggregate classification (germline): Uncertain significance (1 of 4 stars; one submission).

Submission:

Labcorp Genetics (formerly Invitae), Labcorp
Classification: Uncertain significance. Last evaluated: 2020-09-30. Review status: criteria provided, single submitter. Criteria: Invitae Variant Classification Sherloc (09022015). Collection method: clinical testing. Allele origin: germline.
Comment: This sequence change replaces tyrosine with histidine at codon 169 of the HOXB13 protein (p.Tyr169His). The tyrosine residue is highly conserved and there is a moderate physicochemical difference between tyrosine and histidine. In summary, the available evidence is currently insufficient to determine the role of this variant in disease. Therefore, it has been classified as a Variant of Uncertain Significance. Algorithms developed to predict the effect of missense changes on protein structure and function are either unavailable or do not agree on the potential impact of this missense change (SIFT: "Deleterious"; PolyPhen-2: "Probably Damaging"; Align-GVGD: "Class C0"). This variant has not been reported in the literature in individuals with HOXB13-related conditions. This variant is not present in population databases (ExAC no frequency).

NM_006361.6(HOXB13):c.505T>C (p.Tyr169His)

Gene: HOXB13 (homeobox B13; minus strand). Cytogenetic location: 17q21.32.
Variant type: single nucleotide variant.
Coding change: c.505T>C on transcript NM_006361.6 (MANE Select); coding-DNA position 505, T replaced by C.
Protein change: p.Tyr169His; replaces tyrosine 169 with histidine.
Molecular consequence: missense variant.
Genome position (GRCh38, 1-based): chr17:48,728,089, A>G on the plus strand (T>C on the coding strand, the complement: HOXB13 is on the minus strand). VCF-style: chr17-48728089-A-G. GRCh37 (hg19) VCF-style: chr17-46805451-A-G.
Other names: short protein forms Y169H.
Identifiers: ClinVar variation 1006864 (VCV001006864.8), dbSNP rs1597933974, ClinGen allele CA400107314.